The following is an entry in ClinVar:

ClinVar aggregate classification (germline): Pathogenic (1 of 4 stars; one submission).

Conditions:
Charcot-Marie-Tooth disease axonal type 2S. Also called: CHARCOT-MARIE-TOOTH DISEASE, AXONAL, AUTOSOMAL RECESSIVE, TYPE 2S; CHARCOT-MARIE-TOOTH NEUROPATHY, TYPE 2S. Identifiers: Orphanet 443073, MedGen C4015349, MONDO:0014511, OMIM 616155.
Autosomal recessive distal spinal muscular atrophy 1. Also called: Spinal muscular atrophy with respiratory distress 1; SEVERE INFANTILE AXONAL NEUROPATHY WITH RESPIRATORY FAILURE; SPINAL MUSCULAR ATROPHY, DIAPHRAGMATIC; HMN VI; NEURONOPATHY, DISTAL HEREDITARY MOTOR, HARDING TYPE VI; NEUROPATHY, DISTAL HEREDITARY MOTOR, AUTOSOMAL RECESSIVE 1. Identifiers: Orphanet 98920, MedGen C1858517, MONDO:0011436, OMIM 604320.

Submission:

Labcorp Genetics (formerly Invitae), Labcorp
Classification: Pathogenic for Autosomal recessive distal spinal muscular atrophy 1; Charcot-Marie-Tooth disease axonal type 2S. Last evaluated: 2022-04-26. Review status: criteria provided, single submitter. Criteria: Invitae Variant Classification Sherloc (09022015). Collection method: clinical testing. Allele origin: germline.
Comment: For these reasons, this variant has been classified as Pathogenic. This variant has not been reported in the literature in individuals affected with IGHMBP2-related conditions. This variant is not present in population databases (gnomAD no frequency). This sequence change creates a premature translational stop signal (p.Glu641Leufs*93) in the IGHMBP2 gene. It is expected to result in an absent or disrupted protein product. Loss-of-function variants in IGHMBP2 are known to be pathogenic (PMID: 14681881, 25439726, 25568292).

Literature cited by the submitters: PubMed 14681881; PubMed 25439726; PubMed 25568292.

NM_002180.3(IGHMBP2):c.1919_1920dup (p.Glu641fs)

Gene: IGHMBP2 (immunoglobulin mu DNA binding protein 2; plus strand). Cytogenetic location: 11q13.3.
Variant type: Duplication.
Coding change: c.1919_1920dup on transcript NM_002180.3 (MANE Select); coding-DNA positions 1919 to 1920, 2 bases duplicated (TT; older notation c.1919_1920dupTT).
Protein change: p.Glu641fs; shifts the reading frame from glutamic acid 641.
Molecular consequence: frameshift variant.
Genome position (GRCh38, 1-based): chr11:68,936,399-68,936,400, TT duplicated; duplicating any 2 consecutive bases within chr11:68,936,398-68,936,400 gives the same sequence; the c. name uses the placement nearest the transcript's 3' end. VCF-style (leftmost placement, unchanged base first): chr11-68936397-C-CTT. GRCh37 (hg19) VCF-style: chr11-68703865-C-CTT.
Other names: short protein forms E641fs.
Identifiers: ClinVar variation 2130513 (VCV002130513.4), dbSNP rs1298787017, ClinGen allele CA2580084783.